The following is an entry in ClinVar:

ClinVar aggregate classification (germline): Likely benign. Review status: criteria provided, single submitter (1 of 4 stars). 2 submissions from 2 submitters: Likely benign (1). 1 of the submissions does not count toward it. Last evaluated 2024-07-24.

Conditions:
PCNT-related disorder. Also called: PCNT-related condition.

Allele frequency attached by ClinVar (database versions not stated): ExAC 0.00002; gnomAD 0.00007; TOPMed 0.00008.
gnomAD v4.1: 19 of 1,614,044 alleles (0.0012%); highest among the groups gnomAD compares: African/African-American, 0.021%; no homozygotes.

Submissions (2):

Labcorp Genetics (formerly Invitae), Labcorp
Classification: Likely benign. Last evaluated: 2024-07-24. Review status: criteria provided, single submitter. Criteria: Invitae Variant Classification Sherloc (09022015). Collection method: clinical testing. Allele origin: germline.

PreventionGenetics, part of Exact Sciences
Classification: Likely benign for PCNT-related condition. Last evaluated: 2024-07-23. Review status: no assertion criteria provided. Collection method: clinical testing. Allele origin: germline. Not counted in ClinVar's aggregate classification.
Comment: This variant is classified as likely benign based on ACMG/AMP sequence variant interpretation guidelines (Richards et al. 2015 PMID: 25741868, with internal and published modifications).

NM_006031.6(PCNT):c.4389G>T (p.Leu1463=)

Gene: PCNT (pericentrin; plus strand). Cytogenetic location: 21q22.3.
Variant type: single nucleotide variant.
Coding change: c.4389G>T on transcript NM_006031.6 (MANE Select); coding-DNA position 4389, G replaced by T.
Protein change: p.Leu1463=; no amino-acid change (leucine 1463 retained).
Molecular consequence: synonymous variant.
Genome position (GRCh38, 1-based): chr21:46,397,437, G>T. VCF-style: chr21-46397437-G-T. GRCh37 (hg19) VCF-style: chr21-47817351-G-T.
Other names: c.4035G>T, p.Leu1345= (NM_001315529.2); c.4389G>T (NM_006031.5).
Identifiers: ClinVar variation 2978363 (VCV002978363.4), dbSNP rs755238524, ClinGen allele CA10079615.